The following is an entry in ClinVar:

ClinVar aggregate classification (germline): Uncertain significance (1 of 4 stars; one submission).

Allele frequency attached by ClinVar (database versions not stated): gnomAD 0.00005; TOPMed 0.00007; ExAC 0.00014.
gnomAD v4.1: 97 of 1,613,874 alleles (0.006%); highest among the groups gnomAD compares: Admixed American, 0.018%; no homozygotes.

Submission:

CeGaT Center for Human Genetics Tuebingen
Classification: Uncertain significance. Last evaluated: 2023-01-01. Review status: criteria provided, single submitter. Criteria: CeGaT Center For Human Genetics Tuebingen Variant Classification Criteria Version 2. Collection method: clinical testing. Allele origin: germline. Affected: yes. Observed: 1 variant allele.
Comment: FYCO1: PM2, PM3, BP4

NM_024513.4(FYCO1):c.4007C>T (p.Ser1336Leu)

Gene: FYCO1 (FYVE and coiled-coil domain autophagy adaptor 1; minus strand). Cytogenetic location: 3p21.31.
Variant type: single nucleotide variant.
Coding change: c.4007C>T on transcript NM_024513.4 (MANE Select); coding-DNA position 4007, C replaced by T.
Protein change: p.Ser1336Leu; replaces serine 1336 with leucine.
Molecular consequence: missense variant. On other transcripts: non-coding transcript variant (1).
Genome position (GRCh38, 1-based): chr3:45,936,481, G>A on the plus strand (C>T on the coding strand, the complement: FYCO1 is on the minus strand). VCF-style: chr3-45936481-G-A. GRCh37 (hg19) VCF-style: chr3-45977973-G-A.
Other names: c.4007C>T, p.Ser1336Leu (NM_001386421.1, NM_001386422.1, NM_001386424.1 and 3 more transcripts); c.4004C>T, p.Ser1335Leu (NM_001386423.1); c.3887C>T, p.Ser1296Leu (NM_001386426.1); c.3863C>T, p.Ser1288Leu (NM_001386427.1); c.3407C>T, p.Ser1136Leu (NM_001386430.1); short protein forms S1136L, S1288L, S1296L, S1335L, S1336L.
Identifiers: ClinVar variation 2653729 (VCV002653729.24), dbSNP rs4356851, ClinGen allele CA2352431.